The following is an entry in ClinVar:

ClinVar aggregate classification (germline): Uncertain significance. Review status: criteria provided, multiple submitters, no conflicts (2 of 4 stars). 3 submissions from 3 submitters: Uncertain significance (3). Last evaluated 2026-10-01.

Conditions:
DNA ligase IV deficiency. Identifiers: Orphanet 99812, MedGen C1847827, MONDO:0011686, OMIM 606593.

Allele frequency attached by ClinVar (database versions not stated): 1000 Genomes Project 0.00020; 1000 Genomes Project 30x 0.00016; gnomAD exomes below 0.00001; ExAC 0.00001; gnomAD 0.00002 and 0.00011; TOPMed 0.00019.
gnomAD v4.1: 22 of 1,601,904 alleles (0.0014%); highest among the groups gnomAD compares: Non-Finnish European, 0.00068%; no homozygotes.

Submissions (3):

St. Jude Molecular Pathology, St. Jude Children's Research Hospital
Classification: Uncertain significance for DNA ligase IV deficiency. Last evaluated: 2026-10-01. Review status: criteria provided, single submitter. Criteria: St. Jude Assertion Criteria 2020. Collection method: clinical testing. Allele origin: germline.
Comment: The LIG4 c.230G>A p.(Arg77Lys) missense change has a maximum subpopulation frequency of 0.002% in gnomAD v2.1.1. The in silico tool REVEL predicts a benign effect on protein function, but to our knowledge this prediction has not been confirmed by functional studies. To our knowledge, this variant has not been reported in individuals with LIG4-associated conditio ns. In summary, the evidence currently available is insufficient to determine the clinical significance of this variant. It has therefore been classified as of uncertain significance (VUS-Low).

Labcorp Genetics (formerly Invitae), Labcorp
Classification: Uncertain significance for DNA ligase IV deficiency. Last evaluated: 2022-08-16. Review status: criteria provided, single submitter. Criteria: Invitae Variant Classification Sherloc (09022015). Collection method: clinical testing. Allele origin: germline.
Comment: This sequence change replaces arginine, which is basic and polar, with lysine, which is basic and polar, at codon 77 of the LIG4 protein (p.Arg77Lys). This variant is present in population databases (rs199707115, gnomAD 0.002%). This variant has not been reported in the literature in individuals affected with LIG4-related conditions. ClinVar contains an entry for this variant (Variation ID: 844794). Algorithms developed to predict the effect of missense changes on protein structure and function are either unavailable or do not agree on the potential impact of this missense change (SIFT: "Tolerated"; PolyPhen-2: "Possibly Damaging"; Align-GVGD: "Class C0"). In summary, the available evidence is currently insufficient to determine the role of this variant in disease. Therefore, it has been classified as a Variant of Uncertain Significance.

GeneDx
Classification: Uncertain significance. Last evaluated: 2022-02-03. Review status: criteria provided, single submitter. Criteria: GeneDx Variant Classification Process June 2021. Collection method: clinical testing. Allele origin: germline. Affected: yes.
Comment: Not observed at significant frequency in large population cohorts (gnomAD); In silico analysis supports that this missense variant does not alter protein structure/function; Has not been previously published as pathogenic or benign to our knowledge

NM_206937.2(LIG4):c.230G>A (p.Arg77Lys)

Gene: LIG4 (DNA ligase 4; minus strand). Cytogenetic location: 13q33.3.
Variant type: single nucleotide variant.
Coding change: c.230G>A on transcript NM_206937.2 (MANE Select); coding-DNA position 230, G replaced by A.
Protein change: p.Arg77Lys; replaces arginine 77 with lysine.
Molecular consequence: missense variant.
Genome position (GRCh38, 1-based): chr13:108,211,039, C>T on the plus strand (G>A on the coding strand, the complement: LIG4 is on the minus strand). VCF-style: chr13-108211039-C-T. GRCh37 (hg19) VCF-style: chr13-108863387-C-T.
Other names: c.266G>A, p.Arg89Lys (NM_001352604.2); c.230G>A, p.Arg77Lys (NM_001098268.2, NM_001352598.2, NM_001352599.2 and 6 more transcripts); c.29G>A, p.Arg10Lys (NM_001330595.2); short protein forms R77K, R89K, R10K.
Identifiers: ClinVar variation 844794 (VCV000844794.7), dbSNP rs199707115, ClinGen allele CA7043869.